The following is an entry in ClinVar:

ClinVar aggregate classification (germline): Likely pathogenic (1 of 4 stars; one submission).

Submission:

GeneDx
Classification: Likely pathogenic. Last evaluated: 2016-06-06. Review status: criteria provided, single submitter. Criteria: GeneDx Variant Classification (06012015). Collection method: clinical testing. Allele origin: germline. Affected: yes.
Comment: The c.1768+2dupT splice site variant in the PHEX gene has been previously reported in associationwith X-linked hypophosphatemic Rickets (Gaucher et al., 2009). This variant destroys the canonicalsplice donor site in intron 17, and is expected to cause abnormal gene splicing. In addition, thec.1768+2dupT variant was not observed in approximately 6,500 individuals of European and AfricanAmerican ancestry in the NHLBI Exome Sequencing Project, indicating it is not a common benignvariant in these populations. Therefore, this variant is likely pathogenic; however, the possibility thatit is benign cannot be excluded.

NM_000444.6(PHEX):c.1768+2dup

Genes: PHEX (phosphate regulating endopeptidase homolog X-linked; plus strand), PTCHD1-AS (PTCHD1 antisense RNA (head to head); minus strand). Cytogenetic location: Xp22.11.
Variant type: Duplication.
Coding change: c.1768+2dup on transcript NM_000444.6 (MANE Select); the canonical splice donor site of the intron after coding-DNA position 1768, one base duplicated (T; older notation c.1768+2dupT).
Molecular consequence: splice donor variant.
Genome position (GRCh38, 1-based): chrX:22,219,105, T duplicated. VCF-style (leftmost placement, unchanged base first): chrX-22219104-G-GT. GRCh37 (hg19) VCF-style: chrX-22237221-G-GT.
Other names: c.1768+2dup (NM_001282754.2).
Identifiers: ClinVar variation 372462 (VCV000372462.1), dbSNP rs1057517796, ClinGen allele CA16043312.